The following is an entry in ClinVar:

ClinVar aggregate classification (germline): Uncertain significance (1 of 4 stars; one submission).

Conditions:
Glycogen storage disease type III (GSD3). Also called: FORBES DISEASE; Cori disease. Identifiers: Orphanet 366, MedGen C0017922, MONDO:0009291, OMIM 232400.

Submission:

Labcorp Genetics (formerly Invitae), Labcorp
Classification: Uncertain significance for Glycogen storage disease type III. Last evaluated: 2021-12-17. Review status: criteria provided, single submitter. Criteria: Invitae Variant Classification Sherloc (09022015). Collection method: clinical testing. Allele origin: germline.
Comment: Algorithms developed to predict the effect of missense changes on protein structure and function (SIFT, PolyPhen-2, Align-GVGD) all suggest that this variant is likely to be tolerated. In summary, the available evidence is currently insufficient to determine the role of this variant in disease. Therefore, it has been classified as a Variant of Uncertain Significance. This variant has not been reported in the literature in individuals affected with AGL-related conditions. This variant is not present in population databases (gnomAD no frequency). This sequence change replaces valine, which is neutral and non-polar, with leucine, which is neutral and non-polar, at codon 942 of the AGL protein (p.Val942Leu).

NM_000642.3(AGL):c.2824G>C (p.Val942Leu)

Gene: AGL (amylo-alpha-1,6-glucosidase and 4-alpha-glucanotransferase; plus strand). Cytogenetic location: 1p21.2.
Variant type: single nucleotide variant.
Coding change: c.2824G>C on transcript NM_000642.3 (MANE Select); coding-DNA position 2824, G replaced by C.
Protein change: p.Val942Leu; replaces valine 942 with leucine.
Molecular consequence: missense variant.
Genome position (GRCh38, 1-based): chr1:99,891,231, G>C. VCF-style: chr1-99891231-G-C. GRCh37 (hg19) VCF-style: chr1-100356787-G-C.
Other names: c.2824G>C, p.Val942Leu (NM_000028.3, NM_000643.3, NM_000644.3 and 1 more transcripts); c.2776G>C, p.Val926Leu (NM_000646.3); c.2623G>C, p.Val875Leu (NM_001425327.1); c.2620G>C, p.Val874Leu (NM_001425328.1); c.2485G>C, p.Val829Leu (NM_001425329.1); c.2446G>C, p.Val816Leu (NM_001425332.1); short protein forms V926L, V942L, V816L, V829L, V874L, V875L.
Identifiers: ClinVar variation 1959179 (VCV001959179.5), dbSNP rs777828572, ClinGen allele CA341324839.